The following is an entry in ClinVar:

NM_001128840.3(CACNA1D):c.3592T>G (p.Phe1198Val)

Gene: CACNA1D (calcium voltage-gated channel subunit alpha1 D; plus strand). Cytogenetic location: 3p21.1.
Variant type: single nucleotide variant.
Coding change: c.3592T>G on transcript NM_001128840.3 (MANE Select); coding-DNA position 3592, T replaced by G.
Protein change: p.Phe1198Val; replaces phenylalanine 1198 with valine.
Molecular consequence: missense variant.
Genome position (GRCh38, 1-based): chr3:53,751,824, T>G. VCF-style: chr3-53751824-T-G. GRCh37 (hg19) VCF-style: chr3-53785851-T-G.
Other names: c.3652T>G, p.Phe1218Val (NM_000720.4); c.3592T>G, p.Phe1198Val (NM_001128839.3); short protein forms F1198V, F1218V.
Identifiers: ClinVar variation 4885391 (VCV004885391.2).

ClinVar aggregate classification (germline): Uncertain significance (1 of 4 stars; one submission).

Submission:

Dasa
Classification: Uncertain significance. Last evaluated: 2025-09-02. Review status: criteria provided, single submitter. Criteria: DASA Assertion Criteria. Collection method: clinical testing. Allele origin: germline.
Comment: NM_001128840.3(CACNA1D):c.3592T>G (p.Phe1198Val) is a missense variant that results in the substitution of phenylalanine with valine. This variant is absent from population databases. The currently available literature and clinical evidence are not sufficient to establish a definitive association between this variant and the reported condition. Therefore, this variant is classified as a variant of uncertain significance.